The following is an entry in ClinVar:

ClinVar aggregate classification (germline): Uncertain significance (1 of 4 stars; one submission).

Conditions:
Long QT syndrome (LQTS). Identifiers: MedGen C0023976, MeSH D008133, MONDO:0002442. Disease mechanism: loss of function. Inheritance: Various modes of inheritance.

Submission:

Labcorp Genetics (formerly Invitae), Labcorp
Classification: Uncertain significance for Long QT syndrome. Last evaluated: 2024-05-18. Review status: criteria provided, single submitter. Criteria: Invitae Variant Classification Sherloc (09022015). Collection method: clinical testing. Allele origin: germline.
Comment: This sequence change replaces valine, which is neutral and non-polar, with methionine, which is neutral and non-polar, at codon 791 of the CACNA1C protein (p.Val791Met). This variant is not present in population databases (gnomAD no frequency). This variant has not been reported in the literature in individuals affected with CACNA1C-related conditions. Advanced modeling of protein sequence and biophysical properties (such as structural, functional, and spatial information, amino acid conservation, physicochemical variation, residue mobility, and thermodynamic stability) performed at Invitae indicates that this missense variant is not expected to disrupt CACNA1C protein function with a negative predictive value of 95%. In summary, the available evidence is currently insufficient to determine the role of this variant in disease. Therefore, it has been classified as a Variant of Uncertain Significance.

NM_000719.7(CACNA1C):c.2371G>A (p.Val791Met)

Gene: CACNA1C (calcium voltage-gated channel subunit alpha1 C; plus strand). Cytogenetic location: 12p13.33.
Variant type: single nucleotide variant.
Coding change: c.2371G>A on transcript NM_000719.7 (MANE Select); coding-DNA position 2371, G replaced by A.
Protein change: p.Val791Met; replaces valine 791 with methionine.
Molecular consequence: missense variant.
Genome position (GRCh38, 1-based): chr12:2,585,407, G>A. VCF-style: chr12-2585407-G-A. GRCh37 (hg19) VCF-style: chr12-2694573-G-A.
Other names: c.2371G>A, p.Val791Met (NM_001129827.2, NM_001129829.2, NM_001129830.3 and 18 more transcripts); c.2362G>A, p.Val788Met (NM_001129844.2); short protein forms V788M, V791M.
Identifiers: ClinVar variation 3698436 (VCV003698436.2).